The following is an entry in ClinVar:

NM_007059.4(KPTN):c.494G>C (p.Gly165Ala)

Gene: KPTN (kaptin, actin binding protein; minus strand). Cytogenetic location: 19q13.32.
Variant type: single nucleotide variant.
Coding change: c.494G>C on transcript NM_007059.4 (MANE Select); coding-DNA position 494, G replaced by C.
Protein change: p.Gly165Ala; replaces glycine 165 with alanine.
Molecular consequence: missense variant. On other transcripts: non-coding transcript variant (1).
Genome position (GRCh38, 1-based): chr19:47,480,989, C>G on the plus strand (G>C on the coding strand, the complement: KPTN is on the minus strand). VCF-style: chr19-47480989-C-G. GRCh37 (hg19) VCF-style: chr19-47984246-C-G.
Other names: c.326G>C, p.Gly109Ala (NM_001291296.2); short protein forms G109A, G165A.
Identifiers: ClinVar variation 1710632 (VCV001710632.2), dbSNP rs766931867, ClinGen allele CA9540431.
Genomic context (GRCh38, chr19:47,480,989, plus strand): 5'-GCTCTGCCCAGCACGCCGCCCCACCTCACCTCCTTGTAGAGATGAATGGCCGGGTCGTTC[C>G]CACTCAAGAGAAACACAGTCTCAAGTTGATCCCCGACCTGGACCCTGAAAGCAGAGAAAT-3'
Protein context (NP_008990.2, residues 155-175): DQLETVFLLS[Gly165Ala]NDPAIHLYKE

ClinVar aggregate classification (germline): Uncertain significance (1 of 4 stars; one submission).

Allele frequency attached by ClinVar (database versions not stated): ExAC 0.00002.
gnomAD v4.1: 4 of 1,598,510 alleles (0.00025%); highest among the groups gnomAD compares: Admixed American, 0.007%; no homozygotes.

Submission:

GeneDx
Classification: Uncertain significance. Last evaluated: 2022-04-13. Review status: criteria provided, single submitter. Criteria: GeneDx Variant Classification Process June 2021. Collection method: clinical testing. Allele origin: germline. Affected: yes.
Comment: In silico analysis supports that this missense variant has a deleterious effect on protein structure/function; Has not been previously published as pathogenic or benign to our knowledge